The following is an entry in ClinVar:

ClinVar aggregate classification (germline): Uncertain significance (1 of 4 stars; one submission).

Conditions:
RIDDLE syndrome. Identifiers: Orphanet 420741, MedGen C2677792, MONDO:0012764, OMIM 611943.

Allele frequency attached by ClinVar (database versions not stated): gnomAD exomes below 0.00001; ExAC 0.00001; TOPMed 0.00001.
gnomAD v4.1: 6 of 1,614,230 alleles (0.00037%); highest among the groups gnomAD compares: Admixed American, 0.0017%; no homozygotes.

Submission:

Baylor Genetics
Classification: Uncertain significance for RIDDLE syndrome. Last evaluated: 2020-07-30. Review status: criteria provided, single submitter. Criteria: ACMG Guidelines, 2015. Collection method: clinical testing. Allele origin: paternal. Affected: yes.
Comment: This variant was determined to be of uncertain significance according to ACMG Guidelines, 2015 [PMID:25741868].

NM_152617.4(RNF168):c.496A>G (p.Arg166Gly)

Gene: RNF168 (ring finger protein 168; minus strand). Cytogenetic location: 3q29.
Variant type: single nucleotide variant.
Coding change: c.496A>G on transcript NM_152617.4 (MANE Select); coding-DNA position 496, A replaced by G.
Protein change: p.Arg166Gly; replaces arginine 166 with glycine.
Molecular consequence: missense variant.
Genome position (GRCh38, 1-based): chr3:196,487,461, T>C on the plus strand (A>G on the coding strand, the complement: RNF168 is on the minus strand). VCF-style: chr3-196487461-T-C. GRCh37 (hg19) VCF-style: chr3-196214332-T-C.
Other names: short protein forms R166G.
Identifiers: ClinVar variation 1030267 (VCV001030267.1), dbSNP rs760613076, ClinGen allele CA2780919.
Genomic context (GRCh38, chr3:196,487,461, plus strand): 5'-TATCAATGCTTAGCTTTCTTGCCAGTTCCTCATCACTTTTCAGTTGTTCTTCCATCGCTC[T>C]TCGCCTTTTTTCTGCCTGTCTTTTTTCCTCTTCTTCCTCCTCTGCCAACAACCTCTGTAT-3'
Protein context (NP_689830.2, residues 156-176): EEKRQAEKRR[Arg166Gly]AMEEQLKSDE